The following is an entry in ClinVar:

ClinVar aggregate classification (germline): Uncertain significance. Review status: criteria provided, single submitter (1 of 4 stars). 2 submissions from 2 submitters: Uncertain significance (1). 1 of the submissions does not count toward it. Last evaluated 2021-02-25.

Conditions:
Dilated cardiomyopathy 1Z (CMD1Z). Identifiers: Orphanet 154, MedGen C2678475, MONDO:0012745, OMIM 611879.
Hypertrophic cardiomyopathy 13. Also called: TNNC1-Related Familial Hypertrophic Cardiomyopathy. Identifiers: MedGen C2750472, MONDO:0013195, OMIM 613243.

Submissions (2):

Labcorp Genetics (formerly Invitae), Labcorp
Classification: Uncertain significance for Hypertrophic cardiomyopathy 13; Dilated cardiomyopathy 1Z. Last evaluated: 2021-02-25. Review status: criteria provided, single submitter. Criteria: Invitae Variant Classification Sherloc (09022015). Collection method: clinical testing. Allele origin: germline.
Comment: This sequence change replaces methionine with isoleucine at codon 103 of the TNNC1 protein (p.Met103Ile). The methionine residue is moderately conserved and there is a small physicochemical difference between methionine and isoleucine. This variant is not present in population databases (ExAC no frequency). This variant has been observed in individual(s) with dilated cardiomyopathy (PMID: 21832052). Experimental studies have shown that this variant affects TNNC1 protein function (PMID: 21832052). In summary, the available evidence is currently insufficient to determine the role of this variant in disease. Therefore, it has been classified as a Variant of Uncertain Significance.

OMIM
Classification: Pathogenic for CARDIOMYOPATHY, DILATED, 1Z. Last evaluated: 2011-09-30. Review status: no assertion criteria provided. Collection method: literature only. Allele origin: germline. Not counted in ClinVar's aggregate classification.

Literature cited by the submitters: PubMed 21832052 (cited by Labcorp Genetics (formerly Invitae), Labcorp and OMIM); PubMed 20215591 (cited by OMIM).

NM_003280.3(TNNC1):c.309G>A (p.Met103Ile)

Gene: TNNC1 (troponin C1, slow skeletal and cardiac type; minus strand). Cytogenetic location: 3p21.1.
Variant type: single nucleotide variant.
Coding change: c.309G>A on transcript NM_003280.3 (MANE Select); coding-DNA position 309, G replaced by A.
Protein change: p.Met103Ile; replaces methionine 103 with isoleucine.
Molecular consequence: missense variant.
Genome position (GRCh38, 1-based): chr3:52,451,752, C>T on the plus strand (G>A on the coding strand, the complement: TNNC1 is on the minus strand). VCF-style: chr3-52451752-C-T. GRCh37 (hg19) VCF-style: chr3-52485768-C-T.
Other names: short protein forms M103I.
Identifiers: ClinVar variation 1503596 (VCV001503596.8), dbSNP rs2153229926, ClinGen allele CA353166921.